The following is an entry in ClinVar:

ClinVar aggregate classification (germline): Uncertain significance (1 of 4 stars; one submission).

Conditions:
Inborn genetic diseases. Identifiers: MedGen C0950123, MeSH D030342.

Submission:

Ambry Genetics
Classification: Uncertain significance for Inborn genetic diseases. Last evaluated: 2024-09-30. Review status: criteria provided, single submitter. Criteria: Ambry Variant Classification Scheme 2023. Collection method: clinical testing. Allele origin: germline.
Comment: The p.D1461G variant (also known as c.4382A>G), located in coding exon 13 of the F5 gene, results from an A to G substitution at nucleotide position 4382. The aspartic acid at codon 1461 is replaced by glycine, an amino acid with similar properties. This amino acid position is conserved. In addition, this alteration is predicted to be tolerated by in silico analysis. Based on the available evidence, the clinical significance of this variant remains unclear.

NM_000130.5(F5):c.4382A>G (p.Asp1461Gly)

Gene: F5 (coagulation factor V; minus strand). Cytogenetic location: 1q24.2.
Variant type: single nucleotide variant.
Coding change: c.4382A>G on transcript NM_000130.5 (MANE Select); coding-DNA position 4382, A replaced by G.
Protein change: p.Asp1461Gly; replaces aspartic acid 1461 with glycine.
Molecular consequence: missense variant.
Genome position (GRCh38, 1-based): chr1:169,540,708, T>C on the plus strand (A>G on the coding strand, the complement: F5 is on the minus strand). VCF-style: chr1-169540708-T-C. GRCh37 (hg19) VCF-style: chr1-169509946-T-C.
Other names: short protein forms D1461G.
Identifiers: ClinVar variation 3511289 (VCV003511289.1).
Genomic context (GRCh38, chr1:169,540,708, plus strand): 5'-GACTCATTAAATTCTTGAAGAAGCAATGACTGACTAGATTCAGAAGGGTAGAATATCTGA[T>C]CAAGGTCTGGAGGAGGTGATATCTGGCTGAGATCCGGGAGAAGGGTGGTGTCACTGATGT-3'
Protein context (NP_000121.2, residues 1451-1471): LSQISPPPDL[Asp1461Gly]QIFYPSESSQ